The following is an entry in ClinVar:

ClinVar aggregate classification (germline): Uncertain significance (0 of 4 stars; one submission).

Conditions:
STIM1-related disorder. Also called: STIM1-related condition.

Submission:

PreventionGenetics, part of Exact Sciences
Classification: Uncertain significance for STIM1-related condition. Last evaluated: 2024-03-19. Review status: no assertion criteria provided. Collection method: clinical testing. Allele origin: germline.
Comment: The STIM1 c.763G>A variant is predicted to result in the amino acid substitution p.Glu255Lys. To our knowledge, this variant has not been reported in the literature or in a large population database, indicating this variant is rare. At this time, the clinical significance of this variant is uncertain due to the absence of conclusive functional and genetic evidence.

NM_001382567.1(STIM1):c.763G>A (p.Glu255Lys)

Gene: STIM1 (stromal interaction molecule 1; plus strand). Cytogenetic location: 11p15.4.
Variant type: single nucleotide variant.
Coding change: c.763G>A on transcript NM_001382567.1 (MANE Select); coding-DNA position 763, G replaced by A.
Protein change: p.Glu255Lys; replaces glutamic acid 255 with lysine.
Molecular consequence: missense variant. On other transcripts: non-coding transcript variant (2).
Genome position (GRCh38, 1-based): chr11:4,070,175, G>A. VCF-style: chr11-4070175-G-A. GRCh37 (hg19) VCF-style: chr11-4091405-G-A.
Other names: c.763G>A, p.Glu255Lys (NM_001277961.3, NM_001277962.2, NM_001382568.1 and 2 more transcripts); c.541G>A, p.Glu181Lys (NM_001382566.1, NM_001382573.1, NM_001382574.1 and 5 more transcripts); c.628G>A, p.Glu210Lys (NM_001382569.1); c.535G>A, p.Glu179Lys (NM_001382570.1); c.283G>A, p.Glu95Lys (NM_001382571.1); c.274G>A, p.Glu92Lys (NM_001382580.1, NM_001382581.1); short protein forms E179K, E181K, E210K, E255K, E92K, E95K.
Identifiers: ClinVar variation 3355112 (VCV003355112.1).